The following continues an entry in ClinVar:

NM_004415.4(DSP):c.273+5G>A

Gene: DSP. ClinVar aggregate classification (germline): Conflicting classifications of pathogenicity. Likely pathogenic (1); Uncertain significance (17); Likely benign (2).

Submissions 16 to 25 of 25:

Illumina Laboratory Services, Illumina
Classification: Uncertain significance for Arrhythmogenic right ventricular dysplasia 8. Last evaluated: 2017-04-27. Review status: criteria provided, single submitter. Criteria: ICSL Variant Classification Criteria 13 December 2019. Collection method: clinical testing. Allele origin: germline.
Comment: This variant was observed as part of a predisposition screen in an ostensibly healthy population. A literature search was performed for the gene, cDNA change, and amino acid change (where applicable). Publications were found based on this search. However, the evidence from the literature, in combination with allele frequency data from public databases where available, was not sufficient to rule this variant in or out of causing disease. Therefore, this variant is classified as a variant of unknown significance.

Illumina Laboratory Services, Illumina
Classification: Uncertain significance for Lethal acantholytic epidermolysis bullosa. Last evaluated: 2017-04-27. Review status: criteria provided, single submitter. Criteria: ICSL Variant Classification Criteria 13 December 2019. Collection method: clinical testing. Allele origin: germline.

Illumina Laboratory Services, Illumina
Classification: Uncertain significance for Arrhythmogenic cardiomyopathy with wooly hair and keratoderma. Last evaluated: 2017-04-27. Review status: criteria provided, single submitter. Criteria: ICSL Variant Classification Criteria 13 December 2019. Collection method: clinical testing. Allele origin: germline.

Genomic Diagnostic Laboratory, Division of Genomic Diagnostics, Children's Hospital of Philadelphia
Classification: Uncertain significance for Arrhythmogenic right ventricular cardiomyopathy. Last evaluated: 2015-08-19. Review status: criteria provided, single submitter. Criteria: DGD Variant Analysis Guidelines. Collection method: clinical testing. Allele origin: unknown.

Breakthrough Genomics
Classification: Uncertain significance. Review status: criteria provided, single submitter. Criteria: ACMG Guidelines, 2015. Collection method: not provided. Allele origin: germline. Inheritance: Autosomal recessive inheritance. Affected: yes.

Blueprint Genetics
Classification: Uncertain significance for Primary dilated cardiomyopathy; Long QT syndrome. Last evaluated: 2014-09-29. Review status: no assertion criteria provided. Collection method: clinical testing. Allele origin: germline. Affected: yes. Observed: 1 variant allele. Not counted in ClinVar's aggregate classification.

Blueprint Genetics
Classification: Uncertain significance for Primary dilated cardiomyopathy. Last evaluated: 2014-09-29. Review status: no assertion criteria provided. Collection method: clinical testing. Allele origin: germline. Affected: yes. Observed: 1 variant allele. Not counted in ClinVar's aggregate classification.

Dr. Peter K. Rogan Lab, Western University
No classification provided (evidence only). Condition: Familial cancer of breast. Review status: no classification provided. Collection method: in vitro. Allele origin: not applicable. Functional consequence: skipped exon, retained intron. Not counted in ClinVar's aggregate classification.

Dr. Peter K. Rogan Lab, Western University
No classification provided (evidence only). Condition: Colon adenocarcinoma. Review status: no classification provided. Collection method: in vitro. Allele origin: not applicable. Functional consequence: skipped exon, retained intron. Not counted in ClinVar's aggregate classification.

Dr. Peter K. Rogan Lab, Western University
No classification provided (evidence only). Condition: Cervical cancer. Review status: no classification provided. Collection method: in vitro. Allele origin: not applicable. Functional consequence: retained intron. Not counted in ClinVar's aggregate classification.

Literature cited by the submitters: PubMed 16774985 (cited by 8 submitters); PubMed 21723241 (cited by 8 submitters); PubMed 28074886 (cited by 3 submitters); PubMed 34026522 (cited by 3 submitters); PubMed 34290054 (cited by 4 submitters); PubMed 35325485 (cited by Labcorp Genetics (formerly Invitae), Labcorp and Mayo Clinic Laboratories, Mayo Clinic); PubMed 37652022 (cited by Labcorp Genetics (formerly Invitae), Labcorp and Mayo Clinic Laboratories, Mayo Clinic); PubMed 17576681 (cited by Labcorp Genetics (formerly Invitae), Labcorp); PubMed 9536098 (cited by Labcorp Genetics (formerly Invitae), Labcorp); PubMed 24070718 (cited by 4 submitters); PubMed 27097650 (cited by 3 submitters); PubMed 28416588 (cited by 3 submitters); PubMed 30398466 (cited by 3 submitters); PubMed 30847666 (cited by 3 submitters); PubMed 31514951 (cited by 3 submitters); PubMed 31737537 (cited by 3 submitters); PubMed 32277046 (cited by 3 submitters); PubMed 32826072 (cited by Mayo Clinic Laboratories, Mayo Clinic and All of Us Research Program, National Institutes of Health); PubMed 35207675 (cited by Mayo Clinic Laboratories, Mayo Clinic); PubMed 36580316 (cited by Mayo Clinic Laboratories, Mayo Clinic); PubMed 37936624 (cited by Mayo Clinic Laboratories, Mayo Clinic); PubMed 39240923 (cited by Mayo Clinic Laboratories, Mayo Clinic); PubMed 18382419 (cited by Women's Health and Genetics/Laboratory Corporation of America, LabCorp); PubMed 25225338 (cited by Women's Health and Genetics/Laboratory Corporation of America, LabCorp); PubMed 28759816 (cited by Ambry Genetics and Laboratory for Molecular Medicine, Mass General Brigham Personalized Medicine); PubMed 31402444 (cited by Ambry Genetics); PubMed 32372669 (cited by Ambry Genetics).